The following is an entry in ClinVar:

ClinVar aggregate classification (germline): Pathogenic (1 of 4 stars; one submission).

Conditions:
Melnick-Fraser syndrome (BOR). Also called: Branchiootorenal syndrome; Branchio-oto-renal syndrome; Branchiootorenal Syndrome (BORS). Identifiers: Orphanet 107, MedGen C0265234, MONDO:0007029.

Submission:

Labcorp Genetics (formerly Invitae), Labcorp
Classification: Pathogenic for Melnick-Fraser syndrome. Last evaluated: 2024-07-19. Review status: criteria provided, single submitter. Criteria: Invitae Variant Classification Sherloc (09022015). Collection method: clinical testing. Allele origin: germline.
Comment: This sequence change creates a premature translational stop signal (p.Asn231Thrfs*10) in the EYA1 gene. It is expected to result in an absent or disrupted protein product. Loss-of-function variants in EYA1 are known to be pathogenic (PMID: 10464653, 18220287). This variant is not present in population databases (gnomAD no frequency). This variant has not been reported in the literature in individuals affected with EYA1-related conditions. For these reasons, this variant has been classified as Pathogenic.

Literature cited by the submitters: PubMed 10464653; PubMed 18220287.

NM_000503.6(EYA1):c.692del (p.Asn231fs)

Gene: EYA1 (EYA transcriptional coactivator and phosphatase 1; minus strand). Cytogenetic location: 8q13.3.
Variant type: Deletion.
Coding change: c.692del on transcript NM_000503.6 (MANE Select); coding-DNA position 692, one base deleted (A; older notation c.692delA).
Protein change: p.Asn231fs; shifts the reading frame from asparagine 231.
Molecular consequence: frameshift variant.
Genome position (GRCh38, 1-based): chr8:71,299,181, T deleted on the plus strand (A on the coding strand, the reverse complement: EYA1 is on the minus strand); the first of 2 consecutive T bases (chr8:71,299,181-71,299,182); deleting either gives the same sequence. VCF-style (leftmost placement, unchanged base first): chr8-71299180-GT-G. GRCh37 (hg19) VCF-style: chr8-72211415-GT-G.
Other names: c.674del, p.Asn225fs (NM_001288574.2); c.692del, p.Asn231fs (NM_001370334.1, NM_001370335.1, NM_172058.4); c.761del, p.Asn254fs (NM_001370336.1); c.593del, p.Asn198fs (NM_001411797.1, NM_172060.4); c.326del, p.Asn109fs (NM_001288575.2); c.779del, p.Asn260fs (NM_001370333.1); c.764del, p.Asn255fs (NM_172059.5); short protein forms N198fs, N225fs, N254fs, N109fs, N231fs, N255fs, N260fs.
Identifiers: ClinVar variation 3659946 (VCV003659946.2).